The following is an entry in ClinVar:

NM_001165963.4(SCN1A):c.5020G>A (p.Gly1674Ser)

Genes: SCN1A (sodium voltage-gated channel alpha subunit 1; minus strand), LOC102724058 (uncharacterized LOC102724058; plus strand). Cytogenetic location: 2q24.3.
Variant type: single nucleotide variant.
Coding change: c.5020G>A on transcript NM_001165963.4 (MANE Select); coding-DNA position 5020, G replaced by A.
Protein change: p.Gly1674Ser; replaces glycine 1674 with serine.
Molecular consequence: missense variant. On other transcripts: non-coding transcript variant (1).
Genome position (GRCh38, 1-based): chr2:165,992,255, C>T on the plus strand (G>A on the coding strand, the complement: SCN1A is on the minus strand). VCF-style: chr2-165992255-C-T. GRCh37 (hg19) VCF-style: chr2-166848765-C-T.
Other names: c.5020G>A (NM_001165963.1); c.4987G>A, p.Gly1663Ser (NM_001353952.2, NM_006920.6, NM_001353949.2 and 2 more transcripts); c.4984G>A, p.Gly1662Ser (NM_001353954.2, NM_001353955.2); c.4936G>A, p.Gly1646Ser (NM_001353957.2, NM_001353958.2, NM_001165964.3); c.4933G>A, p.Gly1645Ser (NM_001353960.2); c.2578G>A, p.Gly860Ser (NM_001353961.2); c.5020G>A, p.Gly1674Ser (NM_001202435.3, NM_001353948.2); short protein forms G1645S, G1646S, G1662S, G1663S, G1674S, G860S.
Identifiers: ClinVar variation 1024963 (VCV001024963.11), dbSNP rs121918792, ClinGen allele CA349069667.

ClinVar aggregate classification (germline): Pathogenic/Likely pathogenic. Review status: criteria provided, multiple submitters, no conflicts (2 of 4 stars). 2 submissions from 2 submitters: Pathogenic (1); Likely pathogenic (1). Last evaluated 2025-11-18.

Conditions:
Early-infantile DEE. Also called: Ohtahara syndrome; Early infantile epileptic encephalopathy with suppression bursts; Early infantile epileptic encephalopathy. Identifiers: Orphanet 1934, MedGen C0393706, MONDO:0800491.

Submissions (2):

GeneDx
Classification: Likely pathogenic. Last evaluated: 2025-11-18. Review status: criteria provided, single submitter. Criteria: GeneDx Variant Classification Process June 2021. Collection method: clinical testing. Allele origin: germline.
Comment: Reported previously as pathogenic or likely pathogenic variants in patients with generalized epilepsy with febrile seizures plus (GEFS+) who also had a family history of an affected parent (PMID: 30619928, 33391346); Reported previously in published literature as a maternally inherited variant, from an affected mother, in a patient with febrile seizures and hemiconvulsion-hemiplegia syndrome (PMID: 26311622); Not observed at significant frequency in large population cohorts (gnomAD); This substitution is predicted to be within the transmembrane segment S5 of the fourth homologous domain; In silico analysis supports that this missense variant has a deleterious effect on protein structure/function; This variant is associated with the following publications: (PMID: 32276107, 33391346, 26311622, 30619928)

Labcorp Genetics (formerly Invitae), Labcorp
Classification: Pathogenic for Early-infantile DEE. Last evaluated: 2024-08-16. Review status: criteria provided, single submitter. Criteria: Invitae Variant Classification Sherloc (09022015). Collection method: clinical testing. Allele origin: germline.
Comment: This sequence change replaces glycine, which is neutral and non-polar, with serine, which is neutral and polar, at codon 1674 of the SCN1A protein (p.Gly1674Ser). This variant is not present in population databases (gnomAD no frequency). This missense change has been observed in individuals with SCN1A-related conditions (PMID: 26311622, 30619928; Invitae). ClinVar contains an entry for this variant (Variation ID: 1024963). Invitae Evidence Modeling of protein sequence and biophysical properties (such as structural, functional, and spatial information, amino acid conservation, physicochemical variation, residue mobility, and thermodynamic stability) indicates that this missense variant is expected to disrupt SCN1A protein function with a positive predictive value of 95%. For these reasons, this variant has been classified as Pathogenic.

Literature cited by the submitters: PubMed 26311622 (cited by Labcorp Genetics (formerly Invitae), Labcorp); PubMed 30619928 (cited by Labcorp Genetics (formerly Invitae), Labcorp).